The following is an entry in ClinVar:

NM_000169.3(GLA):c.548-9C>A

Genes: GLA (galactosidase alpha; minus strand), RPL36A-HNRNPH2 (RPL36A-HNRNPH2 readthrough; plus strand). Cytogenetic location: Xq22.1.
Variant type: single nucleotide variant.
Coding change: c.548-9C>A on transcript NM_000169.3 (MANE Select); 9 bases into the intron before coding-DNA position 548, C replaced by A.
Molecular consequence: intron variant.
Genome position (GRCh38, 1-based): chrX:101,400,766, G>T on the plus strand (C>A on the coding strand, the complement: GLA is on the minus strand). VCF-style: chrX-101400766-G-T. GRCh37 (hg19) VCF-style: chrX-100655754-G-T.
Other names: c.177+8944G>T (NM_001199974.2); c.671-9C>A (NM_001406747.1); c.548-9C>A (NM_001406748.1); c.300+5309G>T (NM_001199973.2).
Identifiers: ClinVar variation 4757774 (VCV004757774.1).
Genomic context (GRCh38, chrX:101,400,766, plus strand): 5'-TACACAATGCTTCTGCCAGTCCTATTCAGGGCCAAGGACATGTGCTTATAACCTGTATGA[G>T]AAAACAATGGGTAAAATAAGGGAAAGAAATGAATTTCCAGCTGGGGCTATATATATAGTT-3'

ClinVar aggregate classification (germline): Uncertain significance (1 of 4 stars; one submission).

Conditions:
Fabry disease. Also called: Fabry's disease; ALPHA-GALACTOSIDASE A DEFICIENCY; ANDERSON-FABRY DISEASE; CERAMIDE TRIHEXOSIDASE DEFICIENCY; GLA DEFICIENCY; HEREDITARY DYSTOPIC LIPIDOSIS. Identifiers: Orphanet 324, MedGen C0002986, MONDO:0010526, OMIM 301500, HP:0001071. Disease mechanism: Fabry disease is due to inactivating mutations in the X-linked GLA gene resulting in deficiency of the enzyme Alpha Galactosidase-A., loss of function.

gnomAD v4.1: 1 of 963,967 alleles (0.0001%); highest among the groups gnomAD compares: Non-Finnish European, 0.00015%; no homozygotes.

Submission:

Color Diagnostics, LLC DBA Color Health
Classification: Uncertain significance for Fabry disease. Last evaluated: 2025-09-04. Review status: criteria provided, single submitter. Criteria: ACMG Guidelines, 2015. Collection method: clinical testing. Allele origin: germline.
Comment: This variant causes a C to A nucleotide substitution at the -9 position of intron 3 of the GLA gene. To our knowledge, functional studies have not been reported for this variant. This variant has not been reported in individuals affected with GLA-related disorders in the literature. This variant has not been identified in the general population by the Genome Aggregation Database (gnomAD). The available evidence is insufficient to determine the role of this variant in disease conclusively. Therefore, this variant is classified as a Variant of Uncertain Significance.